The following is an entry in ClinVar:

ClinVar aggregate classification (germline): Uncertain significance (1 of 4 stars; one submission).

Submission:

Labcorp Genetics (formerly Invitae), Labcorp
Classification: Uncertain significance. Last evaluated: 2024-07-19. Review status: criteria provided, single submitter. Criteria: Invitae Variant Classification Sherloc (09022015). Collection method: clinical testing. Allele origin: germline.
Comment: This sequence change replaces proline, which is neutral and non-polar, with glutamine, which is neutral and polar, at codon 435 of the RASGRP1 protein (p.Pro435Gln). This variant is not present in population databases (gnomAD no frequency). This variant has not been reported in the literature in individuals affected with RASGRP1-related conditions. Advanced modeling of protein sequence and biophysical properties (such as structural, functional, and spatial information, amino acid conservation, physicochemical variation, residue mobility, and thermodynamic stability) performed at Invitae indicates that this missense variant is expected to disrupt RASGRP1 protein function with a positive predictive value of 80%. In summary, the available evidence is currently insufficient to determine the role of this variant in disease. Therefore, it has been classified as a Variant of Uncertain Significance.

NM_005739.4(RASGRP1):c.1304C>A (p.Pro435Gln)

Gene: RASGRP1 (RAS guanyl releasing protein 1; minus strand). Cytogenetic location: 15q14.
Variant type: single nucleotide variant.
Coding change: c.1304C>A on transcript NM_005739.4 (MANE Select); coding-DNA position 1304, C replaced by A.
Protein change: p.Pro435Gln; replaces proline 435 with glutamine.
Molecular consequence: missense variant.
Genome position (GRCh38, 1-based): chr15:38,505,859, G>T on the plus strand (C>A on the coding strand, the complement: RASGRP1 is on the minus strand). VCF-style: chr15-38505859-G-T. GRCh37 (hg19) VCF-style: chr15-38798060-G-T.
Other names: c.1304C>A, p.Pro435Gln (NM_001128602.2, NM_001306086.2); short protein forms P435Q.
Identifiers: ClinVar variation 3659973 (VCV003659973.2).